The following is an entry in ClinVar:

ClinVar aggregate classification (germline): Likely benign. Review status: criteria provided, single submitter (1 of 4 stars). 2 submissions from 2 submitters: Likely benign (1). 1 of the submissions does not count toward it. Last evaluated 2026-01-11.

Conditions:
SLC18A3-related disorder. Also called: SLC18A3-related condition.

Allele frequency attached by ClinVar (database versions not stated): ExAC 0.00020; 1000 Genomes Project 30x 0.00078; 1000 Genomes Project 0.00060; ESP Exome Variant Server 0.00054.
gnomAD v4.1: 194 of 1,585,554 alleles (0.012%); highest among the groups gnomAD compares: African/African-American, 0.21%; no homozygotes.

Submissions (2):

Labcorp Genetics (formerly Invitae), Labcorp
Classification: Likely benign. Last evaluated: 2026-01-11. Review status: criteria provided, single submitter. Criteria: Invitae Variant Classification Sherloc (09022015). Collection method: clinical testing. Allele origin: germline.

PreventionGenetics, part of Exact Sciences
Classification: Likely benign for SLC18A3-related condition. Last evaluated: 2023-07-29. Review status: no assertion criteria provided. Collection method: clinical testing. Allele origin: germline. Not counted in ClinVar's aggregate classification.
Comment: This variant is classified as likely benign based on ACMG/AMP sequence variant interpretation guidelines (Richards et al. 2015 PMID: 25741868, with internal and published modifications).

NM_003055.3(SLC18A3):c.1591C>T (p.Arg531Cys)

Genes: CHAT (choline O-acetyltransferase; plus strand), SLC18A3 (solute carrier family 18 member A3; plus strand). Cytogenetic location: 10q11.23.
Variant type: single nucleotide variant.
Coding change: c.1591C>T on transcript NM_003055.3 (MANE Select); coding-DNA position 1591, C replaced by T.
Protein change: p.Arg531Cys; replaces arginine 531 with cysteine.
Molecular consequence: missense variant. On other transcripts: intron variant (1).
Genome position (GRCh38, 1-based): chr10:49,612,331, C>T. VCF-style: chr10-49612331-C-T. GRCh37 (hg19) VCF-style: chr10-50820377-C-T.
Other names: c.-69+3132C>T (NM_020984.4); short protein forms R531C.
Identifiers: ClinVar variation 1555680 (VCV001555680.10), dbSNP rs148062083, ClinGen allele CA5497000.
Genomic context (GRCh38, chr10:49,612,331, plus strand): 5'-CCTCGCAGCCCGCCTGGCCCTTTTGATGCGTGCGAGGACGACTACAACTACTACTACACC[C>T]GCAGCTAGCATCCCCACTCCTCCTCCAGCCCACCCAACCGCCTTGGGTCAAGGGGGCTGC-3'
Protein context (NP_003046.2, residues 521-532): CEDDYNYYYT[Arg531Cys]S